The following is an entry in ClinVar:

NM_005883.3(APC2):c.1501G>C (p.Asp501His)

Gene: APC2 (APC regulator of Wnt signaling pathway 2; plus strand). Cytogenetic location: 19p13.3.
Variant type: single nucleotide variant.
Coding change: c.1501G>C on transcript NM_005883.3 (MANE Select); coding-DNA position 1501, G replaced by C.
Protein change: p.Asp501His; replaces aspartic acid 501 with histidine.
Molecular consequence: missense variant.
Genome position (GRCh38, 1-based): chr19:1,460,837, G>C. VCF-style: chr19-1460837-G-C. GRCh37 (hg19) VCF-style: chr19-1460836-G-C.
Other names: c.1498G>C, p.Asp500His (NM_001351273.1); short protein forms D500H, D501H.
Identifiers: ClinVar variation 1710668 (VCV001710668.7), dbSNP rs372789581, ClinGen allele CA9045124.
Genomic context (GRCh38, chr19:1,460,837, plus strand): 5'-CAGGCCACCCTGTGTGCGCGCCGCGGCTGCATGGAGGCCATCGTGGCCCAGCTGGCCTCC[G>C]ACAGTGAGGAGCTCCACCAGGTACAGGGCGGGGTGCTGGGAAAGCCTTCCAGGGTGTCCC-3'
Protein context (NP_005874.1, residues 491-511): MEAIVAQLAS[Asp501His]SEELHQVVSS

ClinVar aggregate classification (germline): Uncertain significance. Review status: criteria provided, multiple submitters, no conflicts (2 of 4 stars). 2 submissions from 2 submitters: Uncertain significance (2). Last evaluated 2022-08-10.

Allele frequency attached by ClinVar (database versions not stated): 1000 Genomes Project 30x 0.00016.
gnomAD v4.1: 10 of 1,613,172 alleles (0.00062%); highest among the groups gnomAD compares: Admixed American, 0.015%; no homozygotes.

Submissions (2):

Labcorp Genetics (formerly Invitae), Labcorp
Classification: Uncertain significance. Last evaluated: 2022-08-10. Review status: criteria provided, single submitter. Criteria: Invitae Variant Classification Sherloc (09022015). Collection method: clinical testing. Allele origin: germline.
Comment: This variant has not been reported in the literature in individuals affected with APC2-related conditions. This sequence change replaces aspartic acid, which is acidic and polar, with histidine, which is basic and polar, at codon 501 of the APC2 protein (p.Asp501His). This variant is present in population databases (rs372789581, gnomAD 0.02%). Algorithms developed to predict the effect of missense changes on protein structure and function are either unavailable or do not agree on the potential impact of this missense change (SIFT: "Deleterious"; PolyPhen-2: "Possibly Damaging"; Align-GVGD: "Class C0"). In summary, the available evidence is currently insufficient to determine the role of this variant in disease. Therefore, it has been classified as a Variant of Uncertain Significance.

GeneDx
Classification: Uncertain significance. Last evaluated: 2022-04-14. Review status: criteria provided, single submitter. Criteria: GeneDx Variant Classification Process June 2021. Collection method: clinical testing. Allele origin: germline. Affected: yes.
Comment: In silico analysis supports that this missense variant has a deleterious effect on protein structure/function; Has not been previously published as pathogenic or benign to our knowledge